The following is an entry in ClinVar:

ClinVar aggregate classification (germline): Conflicting classifications of pathogenicity. Review status: criteria provided, conflicting classifications (1 of 4 stars). 8 submissions from 8 submitters: Uncertain significance (7); Likely benign (1). Last evaluated 2025-11-28.

Conditions:
Inborn genetic diseases. Identifiers: MedGen C0950123, MeSH D030342.
Joubert syndrome 23 (JBTS23). Identifiers: Orphanet 475, MedGen C4084822, MONDO:0014664, OMIM 616490.
Short-rib thoracic dysplasia 14 with polydactyly (SRTD14). Identifiers: Orphanet 397715, MedGen C4225286, MONDO:0014688, OMIM 616546.

Allele frequency attached by ClinVar (database versions not stated): 1000 Genomes Project 30x 0.00016; 1000 Genomes Project 0.00020; ESP Exome Variant Server 0.00033; TOPMed 0.00037.
gnomAD v4.1: 498 of 1,613,882 alleles (0.031%); highest among the groups gnomAD compares: Admixed American, 0.065%; no homozygotes.

Submissions (8):

Women's Health and Genetics/Laboratory Corporation of America, LabCorp
Classification: Uncertain significance. Last evaluated: 2025-11-28. Review status: criteria provided, single submitter. Criteria: LabCorp Variant Classification Summary - May 2015. Collection method: clinical testing. Allele origin: germline.
Comment: Variant summary: KIAA0586 c.100C>T (p.Arg34Cys) results in a non-conservative amino acid change in the encoded protein sequence. Algorithms developed to predict the effect of missense changes on protein structure and function all suggest that this variant is likely to be disruptive. The variant allele was found at a frequency of 0.00035 in 249200 control chromosomes. This frequency is not significantly higher than estimated for disease-causing variants in KIAA0586, allowing no conclusion about variant significance. To our knowledge, no occurrence of c.100C>T in individuals affected with KIAA0586-related conditions and no experimental evidence demonstrating its impact on protein function have been reported. ClinVar contains an entry for this variant (Variation ID: 596525). Based on the evidence outlined above, the variant was classified as uncertain significance.

Blueprint Genetics
Classification: Uncertain significance. Last evaluated: 2024-11-25. Review status: criteria provided, single submitter. Criteria: ACMG Guidelines, 2015. Collection method: clinical testing. Allele origin: germline.

Labcorp Genetics (formerly Invitae), Labcorp
Classification: Uncertain significance for Joubert syndrome 23; Short-rib thoracic dysplasia 14 with polydactyly. Last evaluated: 2024-01-29. Review status: criteria provided, single submitter. Criteria: Invitae Variant Classification Sherloc (09022015). Collection method: clinical testing. Allele origin: germline.
Comment: This sequence change replaces arginine, which is basic and polar, with cysteine, which is neutral and slightly polar, at codon 34 of the KIAA0586 protein (p.Arg34Cys). This variant is present in population databases (rs202124602, gnomAD 0.06%). This variant has not been reported in the literature in individuals affected with KIAA0586-related conditions. ClinVar contains an entry for this variant (Variation ID: 596525). An algorithm developed to predict the effect of missense changes on protein structure and function (PolyPhen-2) suggests that this variant is likely to be disruptive. In summary, the available evidence is currently insufficient to determine the role of this variant in disease. Therefore, it has been classified as a Variant of Uncertain Significance.

CeGaT Center for Human Genetics Tuebingen
Classification: Likely benign. Last evaluated: 2023-12-01. Review status: criteria provided, single submitter. Criteria: CeGaT Center For Human Genetics Tuebingen Variant Classification Criteria Version 2. Collection method: clinical testing. Allele origin: germline. Affected: yes. Observed: 1 variant allele.
Comment: KIAA0586: BP4

Ambry Genetics
Classification: Uncertain significance for Inborn genetic diseases. Last evaluated: 2022-04-04. Review status: criteria provided, single submitter. Criteria: Ambry Variant Classification Scheme 2023. Collection method: clinical testing. Allele origin: germline.
Comment: The c.64C>T (p.R22C) alteration is located in exon 1 (coding exon 1) of the KIAA0586 gene. This alteration results from a C to T substitution at nucleotide position 64, causing the arginine (R) at amino acid position 22 to be replaced by a cysteine (C). The in silico prediction for the p.R22C alteration is inconclusive. Based on insufficient or conflicting evidence, the clinical significance of this alteration remains unclear.

GeneDx
Classification: Uncertain significance. Last evaluated: 2022-01-07. Review status: criteria provided, single submitter. Criteria: GeneDx Variant Classification Process June 2021. Collection method: clinical testing. Allele origin: germline. Affected: yes.
Comment: In silico analysis supports that this missense variant has a deleterious effect on protein structure/function; Has not been previously published as pathogenic or benign to our knowledge

CENTOGENE GmbH and LLC - Guiding Precision Medicine
Classification: Uncertain significance for Joubert syndrome 23. Last evaluated: 2019-08-30. Review status: criteria provided, single submitter. Criteria: ACMG Guidelines, 2015. Collection method: clinical testing. Allele origin: germline. Affected: yes.

Eurofins Ntd Llc (ga)
Classification: Uncertain significance. Last evaluated: 2018-03-08. Review status: criteria provided, single submitter. Criteria: EGL ClinVar v180209 classification definitions. Collection method: clinical testing. Allele origin: germline. Observed: 1 variant allele, 1 heterozygote.

NM_001329943.3(KIAA0586):c.64C>T (p.Arg22Cys)

Gene: KIAA0586 (KIAA0586; plus strand). Cytogenetic location: 14q23.1.
Variant type: single nucleotide variant.
Coding change: c.64C>T on transcript NM_001329943.3 (MANE Select); coding-DNA position 64, C replaced by T.
Protein change: p.Arg22Cys; replaces arginine 22 with cysteine.
Molecular consequence: missense variant. On other transcripts: intron variant (5).
Genome position (GRCh38, 1-based): chr14:58,428,328, C>T. VCF-style: chr14-58428328-C-T. GRCh37 (hg19) VCF-style: chr14-58895046-C-T.
Other names: c.100C>T, p.Arg34Cys (NM_001244189.2); c.19C>T, p.Arg7Cys (NM_001244190.2); c.64C>T, p.Arg22Cys (NM_001329944.2, NM_001329946.2, NM_001329947.2 and 1 more transcripts); c.-57+691C>T (NM_001244192.2, NM_001244191.2); c.-57+515C>T (NM_001364701.2, NM_001329945.2, NM_001364700.1); c.64C>T (NM_014749.3); short protein forms R22C, R34C, R7C.
Identifiers: ClinVar variation 596525 (VCV000596525.36), dbSNP rs202124602, ClinGen allele CA7205258.